The following is an entry in ClinVar:

ClinVar aggregate classification (germline): Uncertain significance. Review status: criteria provided, multiple submitters, no conflicts (2 of 4 stars). 2 submissions from 2 submitters: Uncertain significance (2). Last evaluated 2026-05-19.

Conditions:
Tuberous sclerosis 2 (TSC2). Identifiers: Orphanet 805, MedGen C1860707, MONDO:0013199, OMIM 613254.
Hereditary cancer-predisposing syndrome. Also called: Tumor predisposition; Hereditary Cancer Syndrome; Neoplastic Syndromes, Hereditary; Hereditary neoplastic syndrome. Identifiers: Orphanet 140162, MedGen C0027672, MeSH D009386, MONDO:0015356.

Submissions (2):

Ambry Genetics
Classification: Uncertain significance for Hereditary cancer-predisposing syndrome. Last evaluated: 2026-05-19. Review status: criteria provided, single submitter. Criteria: Ambry Variant Classification Scheme 2023. Collection method: clinical testing. Allele origin: germline.
Comment: The p.R858S variant (also known as c.2574G>T), located in coding exon 22 of the TSC2 gene, results from a G to T substitution at nucleotide position 2574. The arginine at codon 858 is replaced by serine, an amino acid with dissimilar properties. This amino acid position is well conserved in available vertebrate species. In addition, this alteration is predicted to be deleterious by in silico analysis. Based on the available evidence, the clinical significance of this variant remains unclear.

Labcorp Genetics (formerly Invitae), Labcorp
Classification: Uncertain significance for Tuberous sclerosis 2. Last evaluated: 2023-03-07. Review status: criteria provided, single submitter. Criteria: Invitae Variant Classification Sherloc (09022015). Collection method: clinical testing. Allele origin: germline.
Comment: Advanced modeling of protein sequence and biophysical properties (such as structural, functional, and spatial information, amino acid conservation, physicochemical variation, residue mobility, and thermodynamic stability) performed at Invitae indicates that this missense variant is not expected to disrupt TSC2 protein function. In summary, the available evidence is currently insufficient to determine the role of this variant in disease. Therefore, it has been classified as a Variant of Uncertain Significance. ClinVar contains an entry for this variant (Variation ID: 654014). This variant has not been reported in the literature in individuals affected with TSC2-related conditions. This variant is not present in population databases (gnomAD no frequency). This sequence change replaces arginine, which is basic and polar, with serine, which is neutral and polar, at codon 858 of the TSC2 protein (p.Arg858Ser).

NM_000548.5(TSC2):c.2574G>T (p.Arg858Ser)

Gene: TSC2 (TSC complex subunit 2; plus strand). Cytogenetic location: 16p13.3.
Variant type: single nucleotide variant.
Coding change: c.2574G>T on transcript NM_000548.5 (MANE Select); coding-DNA position 2574, G replaced by T.
Protein change: p.Arg858Ser; replaces arginine 858 with serine.
Molecular consequence: missense variant.
Genome position (GRCh38, 1-based): chr16:2,075,827, G>T. VCF-style: chr16-2075827-G-T. GRCh37 (hg19) VCF-style: chr16-2125828-G-T.
Other names: c.2574G>T, p.Arg858Ser (NM_001077183.3, NM_001114382.3, NM_001363528.2 and 3 more transcripts); c.2463G>T, p.Arg821Ser (NM_001318827.2); c.2427G>T, p.Arg809Ser (NM_001318829.2); c.1974G>T, p.Arg658Ser (NM_001318831.2); c.2607G>T, p.Arg869Ser (NM_001318832.2); short protein forms R869S, R821S, R858S, R658S, R809S.
Identifiers: ClinVar variation 654014 (VCV000654014.9), dbSNP rs1596365022, ClinGen allele CA394278357.